The following is an entry in ClinVar:

NM_000245.4(MET):c.1887C>T (p.Ala629=)

Gene: MET (MET proto-oncogene, receptor tyrosine kinase; plus strand). Cytogenetic location: 7q31.2.
Variant type: single nucleotide variant.
Coding change: c.1887C>T on transcript NM_000245.4 (MANE Select); coding-DNA position 1887, C replaced by T.
Protein change: p.Ala629=; no amino-acid change (alanine 629 retained).
Molecular consequence: synonymous variant.
Genome position (GRCh38, 1-based): chr7:116,757,461, C>T. VCF-style: chr7-116757461-C-T. GRCh37 (hg19) VCF-style: chr7-116397515-C-T.
Other names: c.1887C>T (NM_001127500.1); c.1887C>T, p.Ala629= (NM_001127500.3, NM_001324401.3); c.597C>T, p.Ala199= (NM_001324402.2).
Identifiers: ClinVar variation 1634054 (VCV001634054.10), dbSNP rs1191956704, ClinGen allele CA457216405.

ClinVar aggregate classification (germline): Benign/Likely benign. Review status: criteria provided, multiple submitters, no conflicts (2 of 4 stars). 3 submissions from 3 submitters: Benign (1); Likely benign (2). Last evaluated 2024-11-08.

Conditions:
Renal cell carcinoma. Identifiers: Orphanet 217071, MedGen C0007134, MeSH D002292, MONDO:0005086, HP:0005584.
Hereditary cancer-predisposing syndrome. Also called: Neoplastic Syndromes, Hereditary; Tumor predisposition; Hereditary Cancer Syndrome; Hereditary neoplastic syndrome. Identifiers: Orphanet 140162, MedGen C0027672, MeSH D009386, MONDO:0015356.
Papillary renal cell carcinoma type 1 (RCCP1). Also called: Renal adenocarcinoma; Renal cell carcinoma 1; Renal cell carcinoma, somatic; RENAL CELL CARCINOMA, PAPILLARY, 1, SOMATIC. Identifiers: Orphanet 47044, MedGen C1336839, OMIM 605074, HP:0011797.

Allele frequency attached by ClinVar (database versions not stated): gnomAD exomes below 0.00001; gnomAD 0.00001; TOPMed 0.00001.
gnomAD v4.1: 5 of 1,613,284 alleles (0.00031%); highest among the groups gnomAD compares: Non-Finnish European, 0.00034%; no homozygotes.

Submissions (3):

Myriad Genetics, Inc.
Classification: Benign for Papillary renal cell carcinoma type 1. Last evaluated: 2024-11-08. Review status: criteria provided, single submitter. Criteria: Myriad Autosomal Dominant, Autosomal Recessive and X-Linked Classification Criteria (2023). Collection method: clinical testing. Allele origin: unknown.
Comment: This variant is considered benign. This variant is a silent/synonymous amino acid change and it is not expected to impact splicing.

Labcorp Genetics (formerly Invitae), Labcorp
Classification: Likely benign for Renal cell carcinoma. Last evaluated: 2024-03-20. Review status: criteria provided, single submitter. Criteria: Invitae Variant Classification Sherloc (09022015). Collection method: clinical testing. Allele origin: germline.

Ambry Genetics
Classification: Likely benign for Hereditary cancer-predisposing syndrome. Last evaluated: 2023-09-20. Review status: criteria provided, single submitter. Criteria: Ambry Variant Classification Scheme 2023. Collection method: clinical testing. Allele origin: germline.